The following is an entry in ClinVar:

ClinVar aggregate classification (germline): Uncertain significance (1 of 4 stars; one submission).

Submission:

GeneDx
Classification: Uncertain significance. Last evaluated: 2022-04-12. Review status: criteria provided, single submitter. Criteria: GeneDx Variant Classification Process June 2021. Collection method: clinical testing. Allele origin: germline. Affected: yes.
Comment: Not observed at significant frequency in large population cohorts (gnomAD); In silico analysis supports that this missense variant does not alter protein structure/function; Has not been previously published as pathogenic or benign to our knowledge

NM_003718.5(CDK13):c.1375G>T (p.Ala459Ser)

Gene: CDK13 (cyclin dependent kinase 13; plus strand). Cytogenetic location: 7p14.1.
Variant type: single nucleotide variant.
Coding change: c.1375G>T on transcript NM_003718.5 (MANE Select); coding-DNA position 1375, G replaced by T.
Protein change: p.Ala459Ser; replaces alanine 459 with serine.
Molecular consequence: missense variant.
Genome position (GRCh38, 1-based): chr7:39,987,762, G>T. VCF-style: chr7-39987762-G-T. GRCh37 (hg19) VCF-style: chr7-40027361-G-T.
Other names: c.1375G>T, p.Ala459Ser (NM_031267.4); short protein forms A459S.
Identifiers: ClinVar variation 1710602 (VCV001710602.2), dbSNP rs2116263969, ClinGen allele CA367282240.